The following is an entry in ClinVar:

ClinVar aggregate classification (germline): Benign. Review status: criteria provided, multiple submitters, no conflicts (2 of 4 stars). 3 submissions from 3 submitters: Benign (2). 1 of the submissions does not count toward it. Last evaluated 2013-07-08.

Conditions:
ZNF674-related disorder. Also called: ZNF674-related condition.

Allele frequency attached by ClinVar (database versions not stated): gnomAD exomes 0.00034 and 0.00104; ExAC 0.00137; 1000 Genomes Project 30x 0.00291; 1000 Genomes Project 0.00318; gnomAD 0.00385 and 0.00410; TOPMed 0.00442; ESP Exome Variant Server 0.00476.
gnomAD v4.1: 808 of 1,209,606 alleles (0.067%); highest among the groups gnomAD compares: African/African-American, 1.3%; 7 homozygotes.

Submissions (3):

Genetic Services Laboratory, University of Chicago
Classification: Benign for AllHighlyPenetrant. Last evaluated: 2013-07-08. Review status: criteria provided, single submitter. Criteria: ACMG Guidelines, 2007. Collection method: clinical testing. Allele origin: germline. Inheritance: X-linked inheritance.

Breakthrough Genomics
Classification: Benign. Review status: criteria provided, single submitter. Criteria: ACMG Guidelines, 2015. Collection method: not provided. Allele origin: germline. Inheritance: Unknown mechanism. Affected: yes.

PreventionGenetics, part of Exact Sciences
Classification: Benign for ZNF674-related condition. Last evaluated: 2019-06-07. Review status: no assertion criteria provided. Collection method: clinical testing. Allele origin: germline. Not counted in ClinVar's aggregate classification.
Comment: This variant is classified as benign based on ACMG/AMP sequence variant interpretation guidelines (Richards et al. 2015 PMID: 25741868, with internal and published modifications).

NM_001190417.2(ZNF674):c.1280A>G (p.His427Arg)

Gene: ZNF674 (zinc finger protein 674; minus strand). Cytogenetic location: Xp11.3.
Variant type: single nucleotide variant.
Coding change: c.1280A>G on transcript NM_001190417.2 (MANE Select); coding-DNA position 1280, A replaced by G.
Protein change: p.His427Arg; replaces histidine 427 with arginine.
Molecular consequence: missense variant.
Genome position (GRCh38, 1-based): chrX:46,500,294, T>C on the plus strand (A>G on the coding strand, the complement: ZNF674 is on the minus strand). VCF-style: chrX-46500294-T-C. GRCh37 (hg19) VCF-style: chrX-46359729-T-C.
Other names: c.1295A>G, p.His432Arg (NM_001039891.3); c.1277A>G, p.His426Arg (NM_001146291.2); short protein forms H432R, H426R, H427R.
Identifiers: ClinVar variation 130842 (VCV000130842.9), dbSNP rs200552019, ClinGen allele CA156157.